The following is an entry in ClinVar:

NM_001365951.3(KIF1B):c.2115+7132C>G

Gene: KIF1B (kinesin family member 1B; plus strand). Cytogenetic location: 1p36.22.
Variant type: single nucleotide variant.
Coding change: c.2115+7132C>G on transcript NM_001365951.3 (MANE Select); 7132 bases into the intron after coding-DNA position 2115, C replaced by G.
Molecular consequence: intron variant. On other transcripts: missense variant (2).
Genome position (GRCh38, 1-based): chr1:10,304,378, C>G. VCF-style: chr1-10304378-C-G. GRCh37 (hg19) VCF-style: chr1-10364436-C-G.
Other names: c.3193C>G, p.Gln1065Glu (NM_001365953.1, NM_183416.4); c.1977+7132C>G (NM_015074.3); c.2115+7132C>G (NM_001365952.1); short protein forms Q1065E.
Identifiers: ClinVar variation 3051640 (VCV003051640.2), dbSNP rs1266920257, ClinGen allele CA338327848.
Genomic context (GRCh38, chr1:10,304,378, plus strand): 5'-CCTCAACTACGTTGGAGAAGCAATTCTCTCAATAATGGCCAGCCGAAAAGTACGCGCTGC[C>G]AGGCATCTGCCTCCGCGGAGTCATTAAACTCCCACAGTGGTCACCCCACTGCTGATGTAC-3'

ClinVar aggregate classification (germline): Uncertain significance (0 of 4 stars; one submission).

Conditions:
KIF1B-related disorder. Also called: KIF1B-related condition.

gnomAD v4.1: 1 of 1,614,078 alleles (0.000062%); highest among the groups gnomAD compares: Non-Finnish European, 0.000085%; no homozygotes.

Submission:

PreventionGenetics, part of Exact Sciences
Classification: Uncertain significance for KIF1B-related condition. Last evaluated: 2023-10-21. Review status: no assertion criteria provided. Collection method: clinical testing. Allele origin: germline.
Comment: The KIF1B c.3193C>G variant is predicted to result in the amino acid substitution p.Gln1065Glu. To our knowledge, this variant has not been reported in the literature or in a large population database, indicating this variant is rare. At this time, the clinical significance of this variant is uncertain due to the absence of conclusive functional and genetic evidence.